The following is an entry in ClinVar:

ClinVar aggregate classification (germline): Uncertain significance (1 of 4 stars; one submission).

Submission:

Labcorp Genetics (formerly Invitae), Labcorp
Classification: Uncertain significance. Last evaluated: 2026-01-24. Review status: criteria provided, single submitter. Criteria: Invitae Variant Classification Sherloc (09022015). Collection method: clinical testing. Allele origin: germline.
Comment: This sequence change replaces isoleucine, which is neutral and non-polar, with lysine, which is basic and polar, at codon 2418 of the HMCN1 protein (p.Ile2418Lys). This variant is present in population databases (no rsID available, gnomAD 0.006%). This variant has not been reported in the literature in individuals affected with HMCN1-related conditions. An algorithm developed to predict the effect of missense changes on protein structure and function (PolyPhen-2) suggests that this variant is likely to be tolerated. In summary, the available evidence is currently insufficient to determine the role of this variant in disease. Therefore, it has been classified as a Variant of Uncertain Significance.

NM_031935.3(HMCN1):c.7253T>A (p.Ile2418Lys)

Gene: HMCN1 (hemicentin 1; plus strand). Cytogenetic location: 1q31.1.
Variant type: single nucleotide variant.
Coding change: c.7253T>A on transcript NM_031935.3 (MANE Select); coding-DNA position 7253, T replaced by A.
Protein change: p.Ile2418Lys; replaces isoleucine 2418 with lysine.
Molecular consequence: missense variant.
Genome position (GRCh38, 1-based): chr1:186,057,342, T>A. VCF-style: chr1-186057342-T-A. GRCh37 (hg19) VCF-style: chr1-186026474-T-A.
Other names: short protein forms I2418K.
Identifiers: ClinVar variation 4782194 (VCV004782194.1).